The following is an entry in ClinVar:

NM_201525.4(ADGRG1):c.14C>A (p.Ser5Ter)

Gene: ADGRG1 (adhesion G protein-coupled receptor G1; plus strand). Cytogenetic location: 16q21.
Variant type: single nucleotide variant.
Coding change: c.14C>A on transcript NM_201525.4 (MANE Select); coding-DNA position 14, C replaced by A.
Protein change: p.Ser5Ter; replaces serine 5 with a stop codon.
Molecular consequence: nonsense. On other transcripts: 5 prime UTR variant (4), intron variant (1).
Genome position (GRCh38, 1-based): chr16:57,650,301, C>A. VCF-style: chr16-57650301-C-A. GRCh37 (hg19) VCF-style: chr16-57684213-C-A.
Other names: c.14C>A, p.Ser5Ter (NM_001145770.3, NM_001145771.3, NM_001145772.3 and 20 more transcripts); c.-469C>A (NM_001290143.2, NM_001290144.2, NM_001370451.1); c.-553C>A (NM_001370453.1); c.-414-946C>A (NM_001370454.1); short protein forms S5*.
Identifiers: ClinVar variation 3021034 (VCV003021034.3), dbSNP rs147879224, ClinGen allele CA396040153.

ClinVar aggregate classification (germline): Pathogenic (1 of 4 stars; one submission).

Submission:

Labcorp Genetics (formerly Invitae), Labcorp
Classification: Pathogenic. Last evaluated: 2023-12-27. Review status: criteria provided, single submitter. Criteria: Invitae Variant Classification Sherloc (09022015). Collection method: clinical testing. Allele origin: germline.
Comment: This sequence change creates a premature translational stop signal (p.Ser5*) in the ADGRG1 gene. It is expected to result in an absent or disrupted protein product. Loss-of-function variants in ADGRG1 are known to be pathogenic (PMID: 15044805, 20929962). This variant is not present in population databases (gnomAD no frequency). This variant has not been reported in the literature in individuals affected with ADGRG1-related conditions. For these reasons, this variant has been classified as Pathogenic.

Literature cited by the submitters: PubMed 15044805; PubMed 20929962.